The following is an entry in ClinVar:

ClinVar aggregate classification (germline): Benign/Likely benign. Review status: criteria provided, multiple submitters, no conflicts (2 of 4 stars). 5 submissions from 5 submitters: Benign (1); Likely benign (4). Last evaluated 2025-06-03.

Conditions:
Tuberous sclerosis syndrome (TSC). Also called: Tuberous Sclerosis Complex; Tuberous sclerosis. Identifiers: Orphanet 805, MedGen C0041341, MONDO:0001734.
Hereditary cancer-predisposing syndrome. Also called: Hereditary neoplastic syndrome; Tumor predisposition; Neoplastic Syndromes, Hereditary; Hereditary Cancer Syndrome. Identifiers: Orphanet 140162, MedGen C0027672, MeSH D009386, MONDO:0015356.
Tuberous sclerosis 2 (TSC2). Identifiers: Orphanet 805, MedGen C1860707, MONDO:0013199, OMIM 613254.

Allele frequency attached by ClinVar (database versions not stated): TOPMed below 0.00001; ExAC 0.00001; gnomAD exomes 0.00001.
gnomAD v4.1: 3 of 1,613,330 alleles (0.00019%); highest among the groups gnomAD compares: East Asian, 0.0045%; no homozygotes.

Submissions (5):

Myriad Genetics, Inc.
Classification: Benign for Tuberous sclerosis 2. Last evaluated: 2025-06-03. Review status: criteria provided, single submitter. Criteria: Myriad Autosomal Dominant, Autosomal Recessive and X-Linked Classification Criteria (2023). Collection method: clinical testing. Allele origin: unknown.
Comment: This variant is considered benign. This variant is a silent/synonymous amino acid change and it is not expected to impact splicing.

Ambry Genetics
Classification: Likely benign for Hereditary cancer-predisposing syndrome. Last evaluated: 2025-05-13. Review status: criteria provided, single submitter. Criteria: Ambry Variant Classification Scheme 2023. Collection method: clinical testing. Allele origin: germline.

Labcorp Genetics (formerly Invitae), Labcorp
Classification: Likely benign for Tuberous sclerosis 2. Last evaluated: 2025-05-12. Review status: criteria provided, single submitter. Criteria: Invitae Variant Classification Sherloc (09022015). Collection method: clinical testing. Allele origin: germline.

All of Us Research Program, National Institutes of Health
Classification: Likely benign for Tuberous sclerosis syndrome. Last evaluated: 2023-03-28. Review status: criteria provided, single submitter. Criteria: ACMG Guidelines, 2015. Collection method: clinical testing. Allele origin: germline. Inheritance: Autosomal dominant inheritance. Observed: 2 variant alleles, 2 heterozygotes.
Comment: This study involves interpretation of variants in research participants for the purpose of population health screening. Participant phenotype was not available at the time of variant classification. Additional details can be found in publication PMID: 35346344, PMCID: PMC8962531

Color Diagnostics, LLC DBA Color Health
Classification: Likely benign for Tuberous sclerosis syndrome. Last evaluated: 2023-01-03. Review status: criteria provided, single submitter. Criteria: ACMG Guidelines, 2015. Collection method: clinical testing. Allele origin: germline.

NM_000548.5(TSC2):c.4503C>T (p.Phe1501=)

Gene: TSC2 (TSC complex subunit 2; plus strand). Cytogenetic location: 16p13.3.
Variant type: single nucleotide variant.
Coding change: c.4503C>T on transcript NM_000548.5 (MANE Select); coding-DNA position 4503, C replaced by T.
Protein change: p.Phe1501=; no amino-acid change (phenylalanine 1501 retained).
Molecular consequence: synonymous variant.
Genome position (GRCh38, 1-based): chr16:2,084,960, C>T. VCF-style: chr16-2084960-C-T. GRCh37 (hg19) VCF-style: chr16-2134961-C-T.
Other names: c.4503C>T (NM_000548.3); c.4302C>T, p.Phe1434= (NM_001077183.3); c.4434C>T, p.Phe1478= (NM_001114382.3); c.4194C>T, p.Phe1398= (NM_001318827.2); c.4158C>T, p.Phe1386= (NM_001318829.2); c.3771C>T, p.Phe1257= (NM_001318831.2); c.4335C>T, p.Phe1445= (NM_001318832.2); c.4305C>T, p.Phe1435= (NM_001363528.2); and 2 more.
Identifiers: ClinVar variation 1147478 (VCV001147478.12), dbSNP rs778332133, ClinGen allele CA051457.